The following is an entry in ClinVar:

ClinVar aggregate classification (germline): Pathogenic (3 of 4 stars; one submission).

Conditions:
Glanzmann thrombasthenia. Also called: PLATELET GLYCOPROTEIN IIb-IIIa DEFICIENCY; BLEEDING DISORDER, PLATELET-TYPE, 2; THROMBASTHENIA OF GLANZMANN AND NAEGELI; Thrombasthenia; Glanzmann's thrombasthenia. Identifiers: Orphanet 849, MedGen C0040015, MONDO:0100326.

Submission:

ClinGen Platelet Disorders Variant Curation Expert Panel, ClinGen
Classification: Pathogenic for Glanzmann thrombasthenia. Last evaluated: 2022-11-15. Review status: reviewed by expert panel. Criteria: ClinGen Platelet ACMG Specifications v2-1. Collection method: curation. Allele origin: germline. Inheritance: Autosomal recessive inheritance.
Comment: NM_000419.5(ITGA2B):c.1899del (p.Cys633TrpfsTer17) found in a homozygous proband (PMID:31029159; PM3_supporting) causes a premature stop codon at exon 20 and is predicted to undergo nonsense mediated decay (PVS1). The variant was not found in gnomAD v2.1.1 (PM2_supporting). In conclusion the criteria PSV1, PM2_supporting, and PM3_supporting, were applied to reach a score of pathogenic.

NM_000419.5(ITGA2B):c.1899del (p.Cys633fs)

Gene: ITGA2B (integrin subunit alpha 2b; minus strand). Cytogenetic location: 17q21.31.
Variant type: Deletion.
Coding change: c.1899del on transcript NM_000419.5 (MANE Select); coding-DNA position 1899, one base deleted (T; older notation c.1899delT).
Protein change: p.Cys633fs; shifts the reading frame from cysteine 633.
Molecular consequence: frameshift variant.
Genome position (GRCh38, 1-based): chr17:44,378,690, A deleted on the plus strand (T on the coding strand, the reverse complement: ITGA2B is on the minus strand). VCF-style (leftmost placement, unchanged base first): chr17-44378689-CA-C. GRCh37 (hg19) VCF-style: chr17-42456057-CA-C.
Other names: NM_000419.5:c.1899del; short protein forms C633fs.
Identifiers: ClinVar variation 1879064 (VCV001879064.1), dbSNP rs2510077754, ClinGen allele CA915940223.